The following is an entry in ClinVar:

ClinVar aggregate classification (germline): Uncertain significance (1 of 4 stars; one submission).

Conditions:
Inborn genetic diseases. Identifiers: MedGen C0950123, MeSH D030342.

Submission:

Ambry Genetics
Classification: Uncertain significance for Inborn genetic diseases. Last evaluated: 2021-09-09. Review status: criteria provided, single submitter. Criteria: Ambry Variant Classification Scheme 2023. Collection method: clinical testing. Allele origin: germline.
Comment: The p.S860R variant (also known as c.2578A>C), located in coding exon 20 of the LRRK2 gene, results from an A to C substitution at nucleotide position 2578. The serine at codon 860 is replaced by arginine, an amino acid with dissimilar properties. This amino acid position is conserved. In addition, the in silico prediction for this alteration is inconclusive. Since supporting evidence is limited at this time, the clinical significance of this alteration remains unclear.

NM_198578.4(LRRK2):c.2578A>C (p.Ser860Arg)

Gene: LRRK2 (leucine rich repeat kinase 2; plus strand). Cytogenetic location: 12q12.
Variant type: single nucleotide variant.
Coding change: c.2578A>C on transcript NM_198578.4 (MANE Select); coding-DNA position 2578, A replaced by C.
Protein change: p.Ser860Arg; replaces serine 860 with arginine.
Molecular consequence: missense variant.
Genome position (GRCh38, 1-based): chr12:40,287,428, A>C. VCF-style: chr12-40287428-A-C. GRCh37 (hg19) VCF-style: chr12-40681230-A-C.
Other names: short protein forms S860R.
Identifiers: ClinVar variation 1793328 (VCV001793328.2), dbSNP rs2499679550, ClinGen allele CA384408751.